The following is an entry in ClinVar:

ClinVar aggregate classification (germline): Uncertain significance (1 of 4 stars; one submission).

Conditions:
Brown-Vialetto-van Laere syndrome 1. Also called: BROWN-VIALETTO-VAN LAERE SYNDROME 1, MILD; BULBAR PALSY, PROGRESSIVE, WITH SENSORINEURAL DEAFNESS; PONTOBULBAR PALSY WITH DEAFNESS. Identifiers: Orphanet 572550, Orphanet 97229, MedGen C0796274, MONDO:0024537, OMIM 211530.

Allele frequency attached by ClinVar (database versions not stated): gnomAD exomes below 0.00001 and 0.00002.

Submission:

Labcorp Genetics (formerly Invitae), Labcorp
Classification: Uncertain significance for Brown-Vialetto-van Laere syndrome 1. Last evaluated: 2021-02-03. Review status: criteria provided, single submitter. Criteria: Invitae Variant Classification Sherloc (09022015). Collection method: clinical testing. Allele origin: germline.
Comment: In summary, the available evidence is currently insufficient to determine the role of this variant in disease. Therefore, it has been classified as a Variant of Uncertain Significance. Algorithms developed to predict the effect of missense changes on protein structure and function are either unavailable or do not agree on the potential impact of this missense change (SIFT: "Deleterious"; PolyPhen-2: "Probably Damaging"; Align-GVGD: "Class C0"). This variant has been observed in individual(s) with clinical features of riboflavin transporter deficiency neuronopathy (PMID: 29053833). This variant is not present in population databases (ExAC no frequency). This sequence change replaces valine with methionine at codon 118 of the SLC52A3 protein (p.Val118Met). The valine residue is highly conserved and there is a small physicochemical difference between valine and methionine.

Literature cited by the submitters: PubMed 29053833.

NM_033409.4(SLC52A3):c.352G>A (p.Val118Met)

Gene: SLC52A3 (solute carrier family 52 member 3; minus strand). Cytogenetic location: 20p13.
Variant type: single nucleotide variant.
Coding change: c.352G>A on transcript NM_033409.4 (MANE Select); coding-DNA position 352, G replaced by A.
Protein change: p.Val118Met; replaces valine 118 with methionine.
Molecular consequence: missense variant.
Genome position (GRCh38, 1-based): chr20:765,423, C>T on the plus strand (G>A on the coding strand, the complement: SLC52A3 is on the minus strand). VCF-style: chr20-765423-C-T. GRCh37 (hg19) VCF-style: chr20-746067-C-T.
Other names: c.352G>A, p.Val118Met (NM_001370085.1, NM_001370086.1); short protein forms V118M.
Identifiers: ClinVar variation 1409849 (VCV001409849.8), dbSNP rs1481863428, ClinGen allele CA407964017.